The following is an entry in ClinVar:

ClinVar aggregate classification (germline): Conflicting classifications of pathogenicity. Review status: criteria provided, conflicting classifications (1 of 4 stars). 3 submissions from 3 submitters: Uncertain significance (1); Likely benign (2). Last evaluated 2022-07-22.

Conditions:
Wolfram syndrome 1 (WFS1). Identifiers: Orphanet 3463, MedGen C4551693, MONDO:0009101, OMIM 222300.

Allele frequency attached by ClinVar (database versions not stated): gnomAD 0.00005; TOPMed 0.00008; 1000 Genomes Project 30x 0.00016; 1000 Genomes Project 0.00020.

Submissions (3):

Blueprint Genetics
Classification: Uncertain significance. Last evaluated: 2022-07-22. Review status: criteria provided, single submitter. Criteria: ACMG Guidelines, 2015. Collection method: clinical testing. Allele origin: germline.

GeneDx
Classification: Likely benign. Last evaluated: 2016-12-09. Review status: criteria provided, single submitter. Criteria: GeneDx Variant Classification (06012015). Collection method: clinical testing. Allele origin: germline. Affected: yes.
Comment: This variant is considered likely benign or benign based on one or more of the following criteria: it is a conservative change, it occurs at a poorly conserved position in the protein, it is predicted to be benign by multiple in silico algorithms, and/or has population frequency not consistent with disease.

Clinical Genomics, Uppaluri K&H Personalized Medicine Clinic
Classification: Likely benign for Wolfram syndrome 1. Review status: criteria provided, single submitter. Criteria: K & H Uppaluri Personalized Medicine Clinic Variant Classification & Assertion Criteria_Updated V.1. Collection method: research. Allele origin: unknown. Inheritance: Autosomal recessive inheritance.
Comment: Potent mutations in WFS1 gene are associated with Wolfram's syndrome, an autosomal recessive condition, which cause diabetes mellitus, diabetes insipidus, deafness and optic atrophy.However no sufficient evidence is found to ascertain the role of this particular variant rs527868928 yet.

Literature cited by the submitters: PubMed 20738327 (cited by Clinical Genomics, Uppaluri K&H Personalized Medicine Clinic); PubMed 33879153 (cited by Clinical Genomics, Uppaluri K&H Personalized Medicine Clinic); PubMed 12955714 (cited by Clinical Genomics, Uppaluri K&H Personalized Medicine Clinic); PubMed 18060660 (cited by Clinical Genomics, Uppaluri K&H Personalized Medicine Clinic); PubMed 20301750 (cited by Clinical Genomics, Uppaluri K&H Personalized Medicine Clinic); PubMed 17603484 (cited by Clinical Genomics, Uppaluri K&H Personalized Medicine Clinic).

NM_006005.3(WFS1):c.-27C>T

Gene: WFS1 (wolframin ER transmembrane glycoprotein; plus strand). Cytogenetic location: 4p16.1.
Variant type: single nucleotide variant.
Coding change: c.-27C>T on transcript NM_006005.3 (MANE Select); 27 bases upstream of the start codon, C replaced by T.
Molecular consequence: 5 prime UTR variant.
Genome position (GRCh38, 1-based): chr4:6,269,993, C>T. VCF-style: chr4-6269993-C-T. GRCh37 (hg19) VCF-style: chr4-6271720-C-T.
Other names: c.-23C>T (NM_001145853.1).
Identifiers: ClinVar variation 382132 (VCV000382132.3), dbSNP rs527868928, ClinGen allele CA16604623.